The following is an entry in ClinVar:

NM_000465.4(BARD1):c.1492C>T (p.Leu498Phe)

Gene: BARD1 (BRCA1 associated RING domain 1; minus strand). Cytogenetic location: 2q35.
Variant type: single nucleotide variant.
Coding change: c.1492C>T on transcript NM_000465.4 (MANE Select); coding-DNA position 1492, C replaced by T.
Protein change: p.Leu498Phe; replaces leucine 498 with phenylalanine.
Molecular consequence: missense variant. On other transcripts: non-coding transcript variant (3), intron variant (3).
Genome position (GRCh38, 1-based): chr2:214,767,558, G>A on the plus strand (C>T on the coding strand, the complement: BARD1 is on the minus strand). VCF-style: chr2-214767558-G-A. GRCh37 (hg19) VCF-style: chr2-215632282-G-A.
Other names: c.1435C>T, p.Leu479Phe (NM_001282543.2); c.159-15003C>T (NM_001282548.2); c.216-15003C>T (NM_001282545.2); c.364+24739C>T (NM_001282549.2); short protein forms L479F, L498F.
Identifiers: ClinVar variation 2585701 (VCV002585701.2), dbSNP rs1553619265, ClinGen allele CA350448382.

ClinVar aggregate classification (germline): Uncertain significance (1 of 4 stars; one submission).

Conditions:
Hereditary cancer-predisposing syndrome. Also called: Hereditary neoplastic syndrome; Tumor predisposition; Hereditary Cancer Syndrome; Neoplastic Syndromes, Hereditary. Identifiers: Orphanet 140162, MedGen C0027672, MeSH D009386, MONDO:0015356.

Submission:

Ambry Genetics
Classification: Uncertain significance for Hereditary cancer-predisposing syndrome. Last evaluated: 2023-06-24. Review status: criteria provided, single submitter. Criteria: Ambry Variant Classification Scheme 2023. Collection method: clinical testing. Allele origin: germline.
Comment: The p.L498F variant (also known as c.1492C>T), located in coding exon 6 of the BARD1 gene, results from a C to T substitution at nucleotide position 1492. The leucine at codon 498 is replaced by phenylalanine, an amino acid with highly similar properties. This amino acid position is conserved. In addition, this alteration is predicted to be deleterious by in silico analysis. Since supporting evidence is limited at this time, the clinical significance of this alteration remains unclear.